The following is an entry in ClinVar:

NM_138295.5(PKD1L1):c.6046C>G (p.Leu2016Val)

Gene: PKD1L1 (polycystin 1 like 1, transient receptor potential channel interacting; minus strand). Cytogenetic location: 7p12.3.
Variant type: single nucleotide variant.
Coding change: c.6046C>G on transcript NM_138295.5 (MANE Select); coding-DNA position 6046, C replaced by G.
Protein change: p.Leu2016Val; replaces leucine 2016 with valine.
Molecular consequence: missense variant.
Genome position (GRCh38, 1-based): chr7:47,835,141, G>C on the plus strand (C>G on the coding strand, the complement: PKD1L1 is on the minus strand). VCF-style: chr7-47835141-G-C. GRCh37 (hg19) VCF-style: chr7-47874739-G-C.
Other names: short protein forms L2016V.
Identifiers: ClinVar variation 4982689 (VCV004982689.1).

ClinVar aggregate classification (germline): Uncertain significance (1 of 4 stars; one submission).

Conditions:
PKD1L1-related disorder. Also called: PKD1L1-related condition.

gnomAD v4.1: 5 of 1,599,562 alleles (0.00031%); highest among the groups gnomAD compares: Non-Finnish European, 0.00034%; no homozygotes.

Submission:

PreventionGenetics, part of Exact Sciences
Classification: Uncertain significance for PKD1L1-related condition. Last evaluated: 2026-03-18. Review status: criteria provided, single submitter. Criteria: ACMG Guidelines, 2015. Collection method: clinical testing. Allele origin: germline.
Comment: The PKD1L1 c.6046C>G variant is predicted to result in the amino acid substitution p.Leu2016Val. To our knowledge, this variant has not been reported in the literature or in a large population database (gnomAD), indicating this variant is rare. At this time, the clinical significance of this variant is uncertain due to the absence of conclusive functional and genetic evidence.